The following is an entry in ClinVar:

ClinVar aggregate classification (germline): Uncertain significance (1 of 4 stars; one submission).

Allele frequency attached by ClinVar (database versions not stated): gnomAD exomes below 0.00001 and 0.00001; ExAC 0.00001.
gnomAD v4.1: 2 of 1,614,072 alleles (0.00012%); highest among the groups gnomAD compares: Admixed American, 0.0033%; no homozygotes.

Submission:

Labcorp Genetics (formerly Invitae), Labcorp
Classification: Uncertain significance. Last evaluated: 2022-02-04. Review status: criteria provided, single submitter. Criteria: Invitae Variant Classification Sherloc (09022015). Collection method: clinical testing. Allele origin: germline.
Comment: This sequence change replaces valine, which is neutral and non-polar, with alanine, which is neutral and non-polar, at codon 887 of the ADAMTS18 protein (p.Val887Ala). This variant is present in population databases (rs768021552, gnomAD 0.006%). This variant has not been reported in the literature in individuals affected with ADAMTS18-related conditions. ClinVar contains an entry for this variant (Variation ID: 964149). Algorithms developed to predict the effect of missense changes on protein structure and function output the following: SIFT: "Not Available"; PolyPhen-2: "Benign"; Align-GVGD: "Not Available". The alanine amino acid residue is found in multiple mammalian species, which suggests that this missense change does not adversely affect protein function. In summary, the available evidence is currently insufficient to determine the role of this variant in disease. Therefore, it has been classified as a Variant of Uncertain Significance.

NM_199355.4(ADAMTS18):c.2660T>C (p.Val887Ala)

Gene: ADAMTS18 (ADAM metallopeptidase with thrombospondin type 1 motif 18; minus strand). Cytogenetic location: 16q23.1.
Variant type: single nucleotide variant.
Coding change: c.2660T>C on transcript NM_199355.4 (MANE Select); coding-DNA position 2660, T replaced by C.
Protein change: p.Val887Ala; replaces valine 887 with alanine.
Molecular consequence: missense variant.
Genome position (GRCh38, 1-based): chr16:77,300,277, A>G on the plus strand (T>C on the coding strand, the complement: ADAMTS18 is on the minus strand). VCF-style: chr16-77300277-A-G. GRCh37 (hg19) VCF-style: chr16-77334174-A-G.
Other names: c.2144T>C, p.Val715Ala (NM_001326358.2); short protein forms V715A, V887A.
Identifiers: ClinVar variation 964149 (VCV000964149.9), dbSNP rs768021552, ClinGen allele CA8180799.